The following is an entry in ClinVar:

ClinVar aggregate classification (germline): Likely benign (1 of 4 stars; one submission).

Allele frequency attached by ClinVar (database versions not stated): TOPMed 0.00003; gnomAD 0.00005 and 0.00006.
gnomAD v4.1: 7 of 152,064 alleles (0.0046%); highest among the groups gnomAD compares: Non-Finnish European, 0.01%; no homozygotes.

Submission:

GeneDx
Classification: Likely benign. Last evaluated: 2017-11-07. Review status: criteria provided, single submitter. Criteria: GeneDx Variant Classification (06012015). Collection method: clinical testing. Allele origin: germline. Affected: yes.
Comment: This variant is considered likely benign or benign based on one or more of the following criteria: it is a conservative change, it occurs at a poorly conserved position in the protein, it is predicted to be benign by multiple in silico algorithms, and/or has population frequency not consistent with disease.

NM_053025.4(MYLK):c.-185-18C>T

Gene: MYLK (myosin light chain kinase; minus strand). Cytogenetic location: 3q21.1.
Variant type: single nucleotide variant.
Coding change: c.-185-18C>T on transcript NM_053025.4 (MANE Select); 18 bases into the intron before 185 bases upstream of the start codon, C replaced by T.
Molecular consequence: intron variant.
Genome position (GRCh38, 1-based): chr3:123,876,635, G>A on the plus strand (C>T on the coding strand, the complement: MYLK is on the minus strand). VCF-style: chr3-123876635-G-A. GRCh37 (hg19) VCF-style: chr3-123595482-G-A.
Other names: c.-505-18C>T (NM_001321309.2); c.-185-18C>T (NM_053028.4, NM_053026.4, NM_053027.4).
Identifiers: ClinVar variation 513115 (VCV000513115.1), dbSNP rs1215314132, ClinGen allele CA545968706.